The following is an entry in ClinVar:

ClinVar aggregate classification (germline): Uncertain significance. Review status: criteria provided, multiple submitters, no conflicts (2 of 4 stars). 2 submissions from 2 submitters: Uncertain significance (2). Last evaluated 2026-01-07.

Conditions:
Hereditary cancer-predisposing syndrome. Also called: Hereditary Cancer Syndrome; Hereditary neoplastic syndrome; Neoplastic Syndromes, Hereditary; Tumor predisposition. Identifiers: Orphanet 140162, MedGen C0027672, MeSH D009386, MONDO:0015356.

Allele frequency attached by ClinVar (database versions not stated): ExAC 0.00001; gnomAD exomes 0.00001.
gnomAD v4.1: 12 of 1,613,744 alleles (0.00074%); highest among the groups gnomAD compares: East Asian, 0.0022%; no homozygotes.

Submissions (2):

Labcorp Genetics (formerly Invitae), Labcorp
Classification: Uncertain significance. Last evaluated: 2026-01-07. Review status: criteria provided, single submitter. Criteria: Invitae Variant Classification Sherloc (09022015). Collection method: clinical testing. Allele origin: germline.
Comment: This sequence change replaces glutamic acid, which is acidic and polar, with lysine, which is basic and polar, at codon 2200 of the POLE protein (p.Glu2200Lys). This variant is present in population databases (rs752113614, gnomAD 0.002%). This variant has not been reported in the literature in individuals affected with POLE-related conditions. ClinVar contains an entry for this variant (Variation ID: 405786). Invitae Evidence Modeling of protein sequence and biophysical properties (such as structural, functional, and spatial information, amino acid conservation, physicochemical variation, residue mobility, and thermodynamic stability) indicates that this missense variant is expected to disrupt POLE protein function with a positive predictive value of 80%. In summary, the available evidence is currently insufficient to determine the role of this variant in disease. Therefore, it has been classified as a Variant of Uncertain Significance.

Ambry Genetics
Classification: Uncertain significance for Hereditary cancer-predisposing syndrome. Last evaluated: 2025-02-05. Review status: criteria provided, single submitter. Criteria: Ambry Variant Classification Scheme 2023. Collection method: clinical testing. Allele origin: germline.
Comment: The p.E2200K variant (also known as c.6598G>A), located in coding exon 47 of the POLE gene, results from a G to A substitution at nucleotide position 6598. The glutamic acid at codon 2200 is replaced by lysine, an amino acid with similar properties. This amino acid position is highly conserved in available vertebrate species. In addition, this alteration is predicted to be deleterious by in silico analysis. Based on the available evidence, the clinical significance of this variant remains unclear.

NM_006231.4(POLE):c.6598G>A (p.Glu2200Lys)

Gene: POLE (DNA polymerase epsilon, catalytic subunit; minus strand). Cytogenetic location: 12q24.33.
Variant type: single nucleotide variant.
Coding change: c.6598G>A on transcript NM_006231.4 (MANE Select); coding-DNA position 6598, G replaced by A.
Protein change: p.Glu2200Lys; replaces glutamic acid 2200 with lysine.
Molecular consequence: missense variant.
Genome position (GRCh38, 1-based): chr12:132,625,704, C>T on the plus strand (G>A on the coding strand, the complement: POLE is on the minus strand). VCF-style: chr12-132625704-C-T. GRCh37 (hg19) VCF-style: chr12-133202290-C-T.
Other names: c.6598G>A (NM_006231.2); short protein forms E2200K.
Identifiers: ClinVar variation 405786 (VCV000405786.9), dbSNP rs752113614, ClinGen allele CA6892122.